The following is an entry in ClinVar:

ClinVar aggregate classification (germline): Uncertain significance (1 of 4 stars; one submission).

Conditions:
Early-infantile DEE. Also called: Ohtahara syndrome; Early infantile epileptic encephalopathy with suppression bursts; Early infantile epileptic encephalopathy. Identifiers: Orphanet 1934, MedGen C0393706, MONDO:0800491.

gnomAD v4.1: 3 of 1,614,002 alleles (0.00019%); highest among the groups gnomAD compares: Non-Finnish European, 0.00025%; no homozygotes.

Submission:

Labcorp Genetics (formerly Invitae), Labcorp
Classification: Uncertain significance for Early-infantile DEE. Last evaluated: 2025-10-29. Review status: criteria provided, single submitter. Criteria: Invitae Variant Classification Sherloc (09022015). Collection method: clinical testing. Allele origin: germline.
Comment: This sequence change replaces tryptophan, which is neutral and slightly polar, with cysteine, which is neutral and slightly polar, at codon 366 of the ARHGEF15 protein (p.Trp366Cys). This variant is not present in population databases (gnomAD no frequency). This variant has not been reported in the literature in individuals affected with ARHGEF15-related conditions. An algorithm developed to predict the effect of missense changes on protein structure and function (PolyPhen-2) suggests that this variant is likely to be disruptive. In summary, the available evidence is currently insufficient to determine the role of this variant in disease. Therefore, it has been classified as a Variant of Uncertain Significance.

NM_173728.4(ARHGEF15):c.1098G>T (p.Trp366Cys)

Gene: ARHGEF15 (Rho guanine nucleotide exchange factor 15; plus strand). Cytogenetic location: 17p13.1.
Variant type: single nucleotide variant.
Coding change: c.1098G>T on transcript NM_173728.4 (MANE Select); coding-DNA position 1098, G replaced by T.
Protein change: p.Trp366Cys; replaces tryptophan 366 with cysteine.
Molecular consequence: missense variant.
Genome position (GRCh38, 1-based): chr17:8,315,115, G>T. VCF-style: chr17-8315115-G-T. GRCh37 (hg19) VCF-style: chr17-8218433-G-T.
Other names: c.1098G>T, p.Trp366Cys (NM_025014.2); short protein forms W366C.
Identifiers: ClinVar variation 4777728 (VCV004777728.1).